The following is an entry in ClinVar:

ClinVar aggregate classification (germline): Uncertain significance (1 of 4 stars; one submission).

Conditions:
Cardiovascular phenotype. Identifiers: MedGen CN230736.

gnomAD v4.1: 1 of 1,609,304 alleles (0.000062%); highest among the groups gnomAD compares: Non-Finnish European, 0.000085%; no homozygotes.

Submission:

Ambry Genetics
Classification: Uncertain significance for Cardiovascular phenotype. Last evaluated: 2026-09-06. Review status: criteria provided, single submitter. Criteria: Ambry Variant Classification Scheme 2023. Collection method: clinical testing. Allele origin: germline.
Comment: The p.Y469H variant (also known as c.1405T>C), located in coding exon 6 of the MYPN gene, results from a T to C substitution at nucleotide position 1405. The tyrosine at codon 469 is replaced by histidine, an amino acid with similar properties. This amino acid position is conserved. In addition, this alteration is predicted to be deleterious by in silico analysis. Based on the available evidence, the clinical significance of this variant remains unclear.

NM_032578.4(MYPN):c.1405T>C (p.Tyr469His)

Gene: MYPN (myopalladin; plus strand). Cytogenetic location: 10q21.3.
Variant type: single nucleotide variant.
Coding change: c.1405T>C on transcript NM_032578.4 (MANE Select); coding-DNA position 1405, T replaced by C.
Protein change: p.Tyr469His; replaces tyrosine 469 with histidine.
Molecular consequence: missense variant. On other transcripts: non-coding transcript variant (2).
Genome position (GRCh38, 1-based): chr10:68,158,573, T>C. VCF-style: chr10-68158573-T-C. GRCh37 (hg19) VCF-style: chr10-69918330-T-C.
Other names: c.1405T>C, p.Tyr469His (NM_001256267.2); c.523T>C, p.Tyr175His (NM_001256268.2); short protein forms Y175H, Y469H.
Identifiers: ClinVar variation 5025316 (VCV005025316.1).